The following is an entry in ClinVar:

NM_000489.6(ATRX):c.2753C>T (p.Thr918Ile)

Gene: ATRX (ATRX chromatin remodeler; minus strand). Cytogenetic location: Xq21.1.
Variant type: single nucleotide variant.
Coding change: c.2753C>T on transcript NM_000489.6 (MANE Select); coding-DNA position 2753, C replaced by T.
Protein change: p.Thr918Ile; replaces threonine 918 with isoleucine.
Molecular consequence: missense variant.
Genome position (GRCh38, 1-based): chrX:77,682,503, G>A on the plus strand (C>T on the coding strand, the complement: ATRX is on the minus strand). VCF-style: chrX-77682503-G-A. GRCh37 (hg19) VCF-style: chrX-76937995-G-A.
Other names: c.2639C>T, p.Thr880Ile (NM_138270.5); short protein forms T880I, T918I.
Identifiers: ClinVar variation 1124520 (VCV001124520.31), dbSNP rs782394785, ClinGen allele CA10458036.

ClinVar aggregate classification (germline): Likely benign. Review status: criteria provided, multiple submitters, no conflicts (2 of 4 stars). 2 submissions from 2 submitters: Likely benign (2). Last evaluated 2024-03-06.

Conditions:
Alpha thalassemia-X-linked intellectual disability syndrome (ATRX). Also called: ALPHA-THALASSEMIA/MENTAL RETARDATION SYNDROME, X-LINKED; ATR, NONDELETION TYPE; ATR-X syndrome; Alpha thalassemia mental retardation syndrome, nondeletion type, X-linked; XLMR hypotonic face syndrome; X-linked alpha-thalassemia-mental retardation syndrome. Identifiers: Orphanet 847, MedGen C1845055, MONDO:0010519, OMIM 301040.

Allele frequency attached by ClinVar (database versions not stated): TOPMed 0.00001; gnomAD exomes 0.00003 and 0.00004; ExAC 0.00002; gnomAD 0.00003.
gnomAD v4.1: 33 of 1,209,751 alleles (0.0027%); highest among the groups gnomAD compares: Non-Finnish European, 0.0037%; no homozygotes.

Submissions (2):

Labcorp Genetics (formerly Invitae), Labcorp
Classification: Likely benign for Alpha thalassemia-X-linked intellectual disability syndrome. Last evaluated: 2024-03-06. Review status: criteria provided, single submitter. Criteria: Invitae Variant Classification Sherloc (09022015). Collection method: clinical testing. Allele origin: germline.

CeGaT Center for Human Genetics Tuebingen
Classification: Likely benign. Last evaluated: 2022-08-01. Review status: criteria provided, single submitter. Criteria: CeGaT Center For Human Genetics Tuebingen Variant Classification Criteria Version 2. Collection method: clinical testing. Allele origin: germline. Affected: yes. Observed: 1 variant allele.
Comment: ATRX: PP2, BP4, BS2